The following is an entry in ClinVar:

ClinVar aggregate classification (germline): Uncertain significance (1 of 4 stars; one submission).

Conditions:
Hereditary sensory and autonomic neuropathy type 6. Also called: Neuropathy, hereditary sensory and autonomic, type VI; HSAN VI. Identifiers: Orphanet 314381, MedGen C3539003, MONDO:0013839, OMIM 614653.
Epidermolysis bullosa simplex 3, localized or generalized intermediate, with BP230 deficiency (EBS3). Also called: Epidermolysis bullosa simplex due to BP230 deficiency; Epidermolysis bullosa simplex, autosomal recessive 2. Identifiers: Orphanet 412181, MedGen C3809470, MONDO:0014180, OMIM 615425.

Allele frequency attached by ClinVar (database versions not stated): gnomAD exomes below 0.00001 and 0.00001; ExAC 0.00001.
gnomAD v4.1: 2 of 1,613,842 alleles (0.00012%); highest among the groups gnomAD compares: African/African-American, 0.0013%; no homozygotes.

Submission:

Labcorp Genetics (formerly Invitae), Labcorp
Classification: Uncertain significance for Epidermolysis bullosa simplex 3, localized or generalized intermediate, with BP230 deficiency; Hereditary sensory and autonomic neuropathy type 6. Last evaluated: 2022-07-26. Review status: criteria provided, single submitter. Criteria: Invitae Variant Classification Sherloc (09022015). Collection method: clinical testing. Allele origin: germline.
Comment: This sequence change replaces isoleucine, which is neutral and non-polar, with valine, which is neutral and non-polar, at codon 1323 of the DST protein (p.Ile1323Val). This variant is present in population databases (rs776195068, gnomAD 0.007%). This variant has not been reported in the literature in individuals affected with DST-related conditions. ClinVar contains an entry for this variant (Variation ID: 652745). Algorithms developed to predict the effect of missense changes on protein structure and function (SIFT, PolyPhen-2, Align-GVGD) all suggest that this variant is likely to be tolerated. Algorithms developed to predict the effect of sequence changes on RNA splicing suggest that this variant may create or strengthen a splice site. In summary, the available evidence is currently insufficient to determine the role of this variant in disease. Therefore, it has been classified as a Variant of Uncertain Significance.

NM_001723.7(DST):c.3967A>G (p.Ile1323Val)

Gene: DST (dystonin; minus strand). Cytogenetic location: 6p12.1.
Variant type: single nucleotide variant.
Coding change: c.3967A>G on transcript NM_001723.7 (MANE Plus Clinical); coding-DNA position 3967, A replaced by G.
Protein change: p.Ile1323Val; replaces isoleucine 1323 with valine.
Molecular consequence: missense variant. On other transcripts: intron variant (10).
Genome position (GRCh38, 1-based): chr6:56,620,067, T>C on the plus strand (A>G on the coding strand, the complement: DST is on the minus strand). VCF-style: chr6-56620067-T-C. GRCh37 (hg19) VCF-style: chr6-56484865-T-C.
Other names: c.4830+4463A>G (NM_001144769.5); c.4929+4463A>G (NM_001374722.1, NM_001374736.1); c.4956+4463A>G (NM_001374734.1); c.4416+4463A>G (NM_001144770.2); c.4296+4463A>G (NM_001374730.1, NM_001386100.1, NM_183380.4 and 1 more transcripts); c.3318+4463A>G (NM_015548.5); short protein forms I1323V.
Identifiers: ClinVar variation 652745 (VCV000652745.9), dbSNP rs776195068, ClinGen allele CA3870623.